The following is an entry in ClinVar:

NM_000092.5(COL4A4):c.2967_2968del (p.Arg989_Gly990insTer)

Gene: COL4A4 (collagen type IV alpha 4 chain; minus strand). Cytogenetic location: 2q36.3.
Variant type: Microsatellite.
Coding change: c.2967_2968del on transcript NM_000092.5 (MANE Select); coding-DNA positions 2967 to 2968, 2 bases deleted (AG; older notation c.2967_2968delAG).
Protein change: p.Arg989_Gly990insTer.
Molecular consequence: frameshift variant.
Genome position (GRCh38, 1-based): chr2:227,052,305-227,052,306, CT deleted on the plus strand (AG on the coding strand, the reverse complement: COL4A4 is on the minus strand); deleting any 2 consecutive bases within chr2:227,052,305-227,052,308 gives the same sequence; the c. name uses the placement nearest the transcript's 3' end. VCF-style (leftmost placement, unchanged base first): chr2-227052304-CCT-C. GRCh37 (hg19) VCF-style: chr2-227917020-CCT-C.
Other names: c.2967_2968delAG (NM_000092.4).
Identifiers: ClinVar variation 557135 (VCV000557135.6), dbSNP rs748473278, ClinGen allele CA2144674.
Genomic context (GRCh38, chr2:227,052,304, plus strand): 5'-CAAATGTGATCTGTAAAAATGTCAACTTATTTGATATGGTTAAAAACTCTTAAGTGTTTA[CCT>C]CTTTCTCCTGGGAATCCATCATCTCCAGGAGGTCCAGGTTCCCCAGGTGTTCCCTTTTGT-3'

ClinVar aggregate classification (germline): Pathogenic/Likely pathogenic. Review status: criteria provided, multiple submitters, no conflicts (2 of 4 stars). 5 submissions from 5 submitters: Pathogenic (2); Likely pathogenic (2). 1 of the submissions does not count toward it. Last evaluated 2025-03-13.

Conditions:
COL4A4-related disorder.
Alport syndrome. Also called: Hemorrhagic familial nephritis; Hemorrhagic hereditary nephritis; Congenital hereditary hematuria. Identifiers: Orphanet 63, MedGen C1567741, MONDO:0018965.
Autosomal recessive Alport syndrome (ATS2). Also called: COL4A4 Alport Syndrome and Thin Basement Membrane Nephropathy; Alport syndrome type 2; ALPORT SYNDROME 2, AUTOSOMAL RECESSIVE; COL4A3-Related Nephropathy. Identifiers: Orphanet 63, Orphanet 88919, MedGen C4746745, MONDO:0008762, OMIM 203780.
Hematuria, benign familial, 1 (BFH1). Also called: THIN MEMBRANE NEPHROPATHY. Identifiers: MedGen CN376803, MONDO:0007709, OMIM 141200.

Submissions (5):

3billion
Classification: Pathogenic for Autosomal recessive Alport syndrome. Last evaluated: 2025-03-13. Review status: criteria provided, single submitter. Criteria: ACMG Guidelines, 2015. Collection method: clinical testing. Allele origin: germline. Affected: yes.
Comment: The variant is observed at an extremely low frequency in the gnomAD v4.1.0 dataset (total allele frequency: <0.001%). Predicted Consequence/Location: Stop-gained (nonsense): predicted to result in a loss or disruption of normal protein function through nonsense-mediated decay (NMD) or protein truncation. Multiple pathogenic variants are reported downstream of the variant. in silico tools predict the variant to alter splicing and produce an abnormal transcript [SpliceAI: 1.00 (spliceogenicity >=0.2, non-spliceogenicity <0.1)].The variant has been reported at least twice as pathogenic without evidence for the classification (ClinVar ID: VCV000557135 / PMID: 35372954). Therefore, this variant is classified as Pathogenic according to the recommendation of ACMG/AMP guideline.

Natera, Inc.
Classification: Likely pathogenic for Alport syndrome. Last evaluated: 2025-01-27. Review status: criteria provided, single submitter. Criteria: Natera Variant Classification Schema (03/2026). Collection method: clinical testing. Allele origin: germline.
Comment: The c.2967_2968delAG variant in COL4A4 is a frameshift variant predicted to shift the reading frame and introduce a stop codon. This variant is expected to result in nonsense mediated decay, truncation, or a dysfunctional protein product. This variant is rare in the general population with a frequency below the threshold expected for the associated phenotype(s). Given the available evidence, this variant is classified as Likely Pathogenic.

Blueprint Genetics
Classification: Likely pathogenic for COL4A4-related disorders. Last evaluated: 2024-11-19. Review status: criteria provided, single submitter. Criteria: ACMG Guidelines, 2015. Collection method: clinical testing. Allele origin: germline. Affected: yes. Observed: 1 variant allele.

Fulgent Genetics
Classification: Pathogenic for Hematuria, benign familial, 1; Autosomal recessive Alport syndrome. Last evaluated: 2024-03-13. Review status: criteria provided, single submitter. Criteria: ACMG Guidelines, 2015. Collection method: clinical testing. Allele origin: germline.

Counsyl
Classification: Likely pathogenic for Autosomal recessive Alport syndrome. Last evaluated: 2018-03-09. Review status: no assertion criteria provided. Collection method: clinical testing. Allele origin: unknown. Not counted in ClinVar's aggregate classification.

Literature cited by the submitters: PubMed 35372954 (cited by 3billion).